The following is an entry in ClinVar:

ClinVar aggregate classification (germline): Uncertain significance (1 of 4 stars; one submission).

Submission:

Labcorp Genetics (formerly Invitae), Labcorp
Classification: Uncertain significance. Last evaluated: 2023-11-18. Review status: criteria provided, single submitter. Criteria: Invitae Variant Classification Sherloc (09022015). Collection method: clinical testing. Allele origin: germline.
Comment: This sequence change replaces valine, which is neutral and non-polar, with alanine, which is neutral and non-polar, at codon 1645 of the COL11A2 protein (p.Val1645Ala). This variant is not present in population databases (gnomAD no frequency). This variant has not been reported in the literature in individuals affected with COL11A2-related conditions. Advanced modeling of protein sequence and biophysical properties (such as structural, functional, and spatial information, amino acid conservation, physicochemical variation, residue mobility, and thermodynamic stability) performed at Invitae indicates that this missense variant is not expected to disrupt COL11A2 protein function with a negative predictive value of 95%. In summary, the available evidence is currently insufficient to determine the role of this variant in disease. Therefore, it has been classified as a Variant of Uncertain Significance.

NM_080680.3(COL11A2):c.4934T>C (p.Val1645Ala)

Gene: COL11A2 (collagen type XI alpha 2 chain; minus strand). Cytogenetic location: 6p21.32.
Variant type: single nucleotide variant.
Coding change: c.4934T>C on transcript NM_080680.3 (MANE Select); coding-DNA position 4934, T replaced by C.
Protein change: p.Val1645Ala; replaces valine 1645 with alanine.
Molecular consequence: missense variant.
Genome position (GRCh38, 1-based): chr6:33,164,403, A>G on the plus strand (T>C on the coding strand, the complement: COL11A2 is on the minus strand). VCF-style: chr6-33164403-A-G. GRCh37 (hg19) VCF-style: chr6-33132180-A-G.
Other names: c.4754T>C, p.Val1585Ala (NM_001424108.1); c.4088T>C, p.Val1363Ala (NM_001424109.1); c.3908T>C, p.Val1303Ala (NM_001424110.1, NM_001424111.1); c.2888T>C, p.Val963Ala (NM_001424112.1); c.4613T>C, p.Val1538Ala (NM_080679.3); c.4676T>C, p.Val1559Ala (NM_080681.3); short protein forms V1538A, V1645A, V1303A, V1585A, V1363A, V1559A, V963A.
Identifiers: ClinVar variation 2793131 (VCV002793131.3), dbSNP rs1768777271, ClinGen allele CA363616360.